The following is an entry in ClinVar:

NM_022356.4(P3H1):c.1658del (p.Phe553fs)

Gene: P3H1 (prolyl 3-hydroxylase 1; minus strand). Cytogenetic location: 1p34.2.
Variant type: Deletion.
Coding change: c.1658del on transcript NM_022356.4 (MANE Select); coding-DNA position 1658, one base deleted (T; older notation c.1658delT).
Protein change: p.Phe553fs; shifts the reading frame from phenylalanine 553.
Molecular consequence: frameshift variant.
Genome position (GRCh38, 1-based): chr1:42,750,248, A deleted on the plus strand (T on the coding strand, the reverse complement: P3H1 is on the minus strand); the first of 2 consecutive A bases (chr1:42,750,248-42,750,249); deleting either gives the same sequence. VCF-style (leftmost placement, unchanged base first): chr1-42750247-GA-G. GRCh37 (hg19) VCF-style: chr1-43215918-GA-G.
Other names: c.1658del, p.Phe553fs (NM_001146289.2, NM_001243246.2); short protein forms F553fs.
Identifiers: ClinVar variation 2116019 (VCV002116019.4), dbSNP rs1557562343, ClinGen allele CA522493195.
Genomic context (GRCh38, chr1:42,750,247, plus strand): 5'-TTCGATGGCAGTGCGGCACACCAGATGAGAGTAGGAAAAGTAGAGGGGCGTATCCAGGCG[GA>G]AGTAGGACTCCATGATGCGCCGCACCTTCTCCGTCACGTTGTAGTACAGGTGGGCACTCT-3'

ClinVar aggregate classification (germline): Pathogenic (1 of 4 stars; one submission).

Conditions:
Osteogenesis imperfecta type 8 (OI8). Identifiers: MedGen C1970458, MONDO:0012581, OMIM 610915.

Submission:

Labcorp Genetics (formerly Invitae), Labcorp
Classification: Pathogenic for Osteogenesis imperfecta type 8. Last evaluated: 2024-12-16. Review status: criteria provided, single submitter. Criteria: Invitae Variant Classification Sherloc (09022015). Collection method: clinical testing. Allele origin: germline.
Comment: This sequence change creates a premature translational stop signal (p.Phe553Serfs*41) in the P3H1 gene. It is expected to result in an absent or disrupted protein product. Loss-of-function variants in P3H1 are known to be pathogenic (PMID: 17277775, 18566967, 19088120, 22281939). This variant is present in population databases (no rsID available, gnomAD 0.007%). This variant has not been reported in the literature in individuals affected with P3H1-related conditions. ClinVar contains an entry for this variant (Variation ID: 2116019). For these reasons, this variant has been classified as Pathogenic.

Literature cited by the submitters: PubMed 17277775; PubMed 18566967; PubMed 19088120; PubMed 22281939.